The following is an entry in ClinVar:

NM_001613.4(ACTA2):c.76G>T (p.Asp26Tyr)

Gene: ACTA2 (actin alpha 2, smooth muscle; minus strand). Cytogenetic location: 10q23.31.
Variant type: single nucleotide variant.
Coding change: c.76G>T on transcript NM_001613.4 (MANE Select); coding-DNA position 76, G replaced by T.
Protein change: p.Asp26Tyr; replaces aspartic acid 26 with tyrosine.
Molecular consequence: missense variant.
Genome position (GRCh38, 1-based): chr10:88,948,855, C>A on the plus strand (G>T on the coding strand, the complement: ACTA2 is on the minus strand). VCF-style: chr10-88948855-C-A. GRCh37 (hg19) VCF-style: chr10-90708612-C-A.
Other names: c.76G>T, p.Asp26Tyr (NM_001141945.3, NM_001320855.2, NM_001406462.1 and 7 more transcripts); short protein forms D26Y.
Identifiers: ClinVar variation 3483225 (VCV003483225.1).

ClinVar aggregate classification (germline): Uncertain significance (1 of 4 stars; one submission).

Conditions:
Familial thoracic aortic aneurysm and aortic dissection (TAAD). Also called: Thoracic aortic aneurysms and dissections. Identifiers: Orphanet 91387, MedGen C4707243, MONDO:0019625.

Submission:

Ambry Genetics
Classification: Uncertain significance for Familial thoracic aortic aneurysm and aortic dissection. Last evaluated: 2024-07-25. Review status: criteria provided, single submitter. Criteria: Ambry Variant Classification Scheme 2023. Collection method: clinical testing. Allele origin: germline.
Comment: The p.D26Y variant (also known as c.76G>T), located in coding exon 1 of the ACTA2 gene, results from a G to T substitution at nucleotide position 76. The aspartic acid at codon 26 is replaced by tyrosine, an amino acid with highly dissimilar properties. This alteration has been reported in a case report with aortic dissection, segregating with disease in a few family members (Yoo EH et al. Ann Clin Lab Sci, 2010;40:278-84). This amino acid position is highly conserved in available vertebrate species. In addition, this alteration is predicted to be deleterious by in silico analysis. Based on the available evidence, the clinical significance of this variant remains unclear.

Literature cited by the submitters: PubMed 20689142.